The following is an entry in ClinVar:

NM_001999.4(FBN2):c.6856A>G (p.Arg2286Gly)

Gene: FBN2 (fibrillin 2; minus strand). Cytogenetic location: 5q23.3.
Variant type: single nucleotide variant.
Coding change: c.6856A>G on transcript NM_001999.4 (MANE Select); coding-DNA position 6856, A replaced by G.
Protein change: p.Arg2286Gly; replaces arginine 2286 with glycine.
Molecular consequence: missense variant.
Genome position (GRCh38, 1-based): chr5:128,287,332, T>C on the plus strand (A>G on the coding strand, the complement: FBN2 is on the minus strand). VCF-style: chr5-128287332-T-C. GRCh37 (hg19) VCF-style: chr5-127623024-T-C.
Other names: short protein forms R2286G.
Identifiers: ClinVar variation 2788151 (VCV002788151.3), dbSNP rs1194554199, ClinGen allele CA360759507.

ClinVar aggregate classification (germline): Uncertain significance (1 of 4 stars; one submission).

Conditions:
Congenital contractural arachnodactyly (CCA). Also called: BEALS SYNDROME; Beals-Hecht syndrome; Arthrogryposis, distal, type 9. Identifiers: Orphanet 115, MedGen C0220668, MONDO:0007363, OMIM 121050.

Allele frequency attached by ClinVar (database versions not stated): gnomAD exomes below 0.00001.
gnomAD v4.1: 1 of 1,614,042 alleles (0.000062%); highest among the groups gnomAD compares: Non-Finnish European, 0.000085%; no homozygotes.

Submission:

Labcorp Genetics (formerly Invitae), Labcorp
Classification: Uncertain significance for Congenital contractural arachnodactyly. Last evaluated: 2025-05-05. Review status: criteria provided, single submitter. Criteria: Invitae Variant Classification Sherloc (09022015). Collection method: clinical testing. Allele origin: germline.
Comment: This sequence change replaces arginine, which is basic and polar, with glycine, which is neutral and non-polar, at codon 2286 of the FBN2 protein (p.Arg2286Gly). This variant is present in population databases (no rsID available, gnomAD 0.0009%). This variant has not been reported in the literature in individuals affected with FBN2-related conditions. ClinVar contains an entry for this variant (Variation ID: 2788151). Invitae Evidence Modeling of protein sequence and biophysical properties (such as structural, functional, and spatial information, amino acid conservation, physicochemical variation, residue mobility, and thermodynamic stability) has been performed for this missense variant. However, the output from this modeling did not meet the statistical confidence thresholds required to predict the impact of this variant on FBN2 protein function. In summary, the available evidence is currently insufficient to determine the role of this variant in disease. Therefore, it has been classified as a Variant of Uncertain Significance.